The following is an entry in ClinVar:

NM_001282112.2(TOP3B):c.310-4del

Gene: TOP3B (DNA topoisomerase III beta; minus strand). Cytogenetic location: 22q11.22.
Variant type: Deletion.
Coding change: c.310-4del on transcript NM_001282112.2 (MANE Select); 4 bases into the intron before coding-DNA position 310, one base deleted (G; older notation c.310-4delG).
Molecular consequence: intron variant.
Genome position (GRCh38, 1-based): chr22:21,971,955, C deleted on the plus strand (G on the coding strand, the reverse complement: TOP3B is on the minus strand); the first of 2 consecutive C bases (chr22:21,971,955-21,971,956); deleting either gives the same sequence. VCF-style (leftmost placement, unchanged base first): chr22-21971954-GC-G. GRCh37 (hg19) VCF-style: chr22-22326326-GC-G.
Other names: c.310-4del (NM_001282113.2, NM_001349847.2, NM_001349845.2 and 1 more transcripts); c.-181-4del (NM_001349848.2, NM_001349851.2, NM_001349850.2 and 1 more transcripts).
Identifiers: ClinVar variation 3059024 (VCV003059024.2), dbSNP rs139565922, ClinGen allele CA10125987.

ClinVar aggregate classification (germline): Benign (0 of 4 stars; one submission).

Conditions:
TOP3B-related disorder. Also called: TOP3B-related condition.

Submission:

PreventionGenetics, part of Exact Sciences
Classification: Benign for TOP3B-related condition. Last evaluated: 2019-04-02. Review status: no assertion criteria provided. Collection method: clinical testing. Allele origin: germline.
Comment: This variant is classified as benign based on ACMG/AMP sequence variant interpretation guidelines (Richards et al. 2015 PMID: 25741868, with internal and published modifications).